The following is an entry in ClinVar:

NM_001374736.1(DST):c.20969A>C (p.Asp6990Ala)

Gene: DST (dystonin; minus strand). Cytogenetic location: 6p12.1.
Variant type: single nucleotide variant.
Coding change: c.20969A>C on transcript NM_001374736.1 (MANE Select); coding-DNA position 20969, A replaced by C.
Protein change: p.Asp6990Ala; replaces aspartic acid 6990 with alanine.
Molecular consequence: missense variant.
Genome position (GRCh38, 1-based): chr6:56,487,182, T>G on the plus strand (A>C on the coding strand, the complement: DST is on the minus strand). VCF-style: chr6-56487182-T-G. GRCh37 (hg19) VCF-style: chr6-56351980-T-G.
Other names: c.14612A>C, p.Asp4871Ala (NM_001144769.5); c.14198A>C, p.Asp4733Ala (NM_001144770.2); c.20969A>C, p.Asp6990Ala (NM_001374722.1); c.20009A>C, p.Asp6670Ala (NM_001374729.1); c.13751A>C, p.Asp4584Ala (NM_001374730.1); c.20996A>C, p.Asp6999Ala (NM_001374734.1); c.13100A>C, p.Asp4367Ala (NM_015548.5); c.14078A>C, p.Asp4693Ala (NM_183380.4); short protein forms D6999A, D4367A, D4693A, D4871A, D6670A, D4584A, D4733A, D6990A.
Identifiers: ClinVar variation 971149 (VCV000971149.1), dbSNP rs2095597405, ClinGen allele CA364513118.
Genomic context (GRCh38, chr6:56,487,182, plus strand): 5'-CATATGGTATCCCATTTGTCTCTGAGTTCACTCAGCATGTCATCCAGTTTCAGGTTGTCA[T>G]CAGCCAGGGAGGTTTTCTCCTTCAGAGAACGTCCAGTCCTGTTGGTGGTGTCGTAGACAG-3'
Protein context (NP_001361665.1, residues 6980-7000): RSLKEKTSLA[Asp6990Ala]DNLKLDDMLS

ClinVar aggregate classification (germline): Uncertain significance (1 of 4 stars; one submission).

Conditions:
Epidermolysis bullosa simplex 3, localized or generalized intermediate, with BP230 deficiency (EBS3). Also called: Epidermolysis bullosa simplex, autosomal recessive 2; Epidermolysis bullosa simplex due to BP230 deficiency. Identifiers: Orphanet 412181, MedGen C3809470, MONDO:0014180, OMIM 615425.
Hereditary sensory and autonomic neuropathy type 6. Also called: Neuropathy, hereditary sensory and autonomic, type VI; HSAN VI. Identifiers: Orphanet 314381, MedGen C3539003, MONDO:0013839, OMIM 614653.

Submission:

Labcorp Genetics (formerly Invitae), Labcorp
Classification: Uncertain significance for Epidermolysis bullosa simplex, autosomal recessive 2; Neuropathy, hereditary sensory and autonomic, type VI. Last evaluated: 2019-08-08. Review status: criteria provided, single submitter. Criteria: Invitae Variant Classification Sherloc (09022015). Collection method: clinical testing. Allele origin: germline.
Comment: This sequence change replaces aspartic acid with alanine at codon 4367 of the DST protein (p.Asp4367Ala). The aspartic acid residue is moderately conserved and there is a moderate physicochemical difference between aspartic acid and alanine. The DST gene has multiple clinically relevant transcripts. The p.Asp4367Ala variant occurs in alternate transcript NM_015548.4, which corresponds to c.*128335A>C in NM_001723.5, the primary transcript listed in the Methods. This variant is not present in population databases (ExAC no frequency). This variant has not been reported in the literature in individuals with DST-related conditions. Algorithms developed to predict the effect of missense changes on protein structure and function are either unavailable or do not agree on the potential impact of this missense change (SIFT: "Tolerated"; PolyPhen-2: "Not Available"; Align-GVGD: "Class C0"). In summary, the available evidence is currently insufficient to determine the role of this variant in disease. Therefore, it has been classified as a Variant of Uncertain Significance.